The following is an entry in ClinVar:

ClinVar aggregate classification (germline): Uncertain significance (1 of 4 stars; one submission).

Submission:

Labcorp Genetics (formerly Invitae), Labcorp
Classification: Uncertain significance. Last evaluated: 2021-11-13. Review status: criteria provided, single submitter. Criteria: Invitae Variant Classification Sherloc (09022015). Collection method: clinical testing. Allele origin: germline.
Comment: In summary, the available evidence is currently insufficient to determine the role of this variant in disease. Therefore, it has been classified as a Variant of Uncertain Significance. Algorithms developed to predict the effect of missense changes on protein structure and function are either unavailable or do not agree on the potential impact of this missense change (SIFT: "Deleterious"; PolyPhen-2: "Possibly Damaging"; Align-GVGD: "Class C0"). This variant has not been reported in the literature in individuals affected with TOP2B-related conditions. This variant is not present in population databases (gnomAD no frequency). This sequence change replaces glycine, which is neutral and non-polar, with arginine, which is basic and polar, at codon 1536 of the TOP2B protein (p.Gly1536Arg).

NM_001330700.2(TOP2B):c.4621G>C (p.Gly1541Arg)

Gene: TOP2B (DNA topoisomerase II beta; minus strand). Cytogenetic location: 3p24.2.
Variant type: single nucleotide variant.
Coding change: c.4621G>C on transcript NM_001330700.2 (MANE Select); coding-DNA position 4621, G replaced by C.
Protein change: p.Gly1541Arg; replaces glycine 1541 with arginine.
Molecular consequence: missense variant.
Genome position (GRCh38, 1-based): chr3:25,599,524, C>G on the plus strand (G>C on the coding strand, the complement: TOP2B is on the minus strand). VCF-style: chr3-25599524-C-G. GRCh37 (hg19) VCF-style: chr3-25641015-C-G.
Other names: c.4606G>C, p.Gly1536Arg (NM_001068.3); short protein forms G1536R, G1541R.
Identifiers: ClinVar variation 1503526 (VCV001503526.6), dbSNP rs2125338890, ClinGen allele CA351890420.